The following is an entry in ClinVar:

ClinVar aggregate classification (germline): Uncertain significance (1 of 4 stars; one submission).

Conditions:
Inborn genetic diseases. Identifiers: MedGen C0950123, MeSH D030342.

Submission:

Ambry Genetics
Classification: Uncertain significance for Inborn genetic diseases. Last evaluated: 2025-05-21. Review status: criteria provided, single submitter. Criteria: Ambry Variant Classification Scheme 2023. Collection method: clinical testing. Allele origin: germline.
Comment: The p.M374I variant (also known as c.1122G>C), located in coding exon 9 of the CEP57 gene, results from a G to C substitution at nucleotide position 1122. The methionine at codon 374 is replaced by isoleucine, an amino acid with highly similar properties. This amino acid position is conserved. In addition, this alteration is predicted to be deleterious by in silico analysis. Based on the available evidence, the clinical significance of this variant remains unclear.

NM_014679.5(CEP57):c.1122G>C (p.Met374Ile)

Gene: CEP57 (centrosomal protein 57; plus strand). Cytogenetic location: 11q21.
Variant type: single nucleotide variant.
Coding change: c.1122G>C on transcript NM_014679.5 (MANE Select); coding-DNA position 1122, G replaced by C.
Protein change: p.Met374Ile; replaces methionine 374 with isoleucine.
Molecular consequence: missense variant.
Genome position (GRCh38, 1-based): chr11:95,828,022, G>C. VCF-style: chr11-95828022-G-C. GRCh37 (hg19) VCF-style: chr11-95561186-G-C.
Other names: c.1095G>C, p.Met365Ile (NM_001243776.2); c.1044G>C, p.Met348Ile (NM_001243777.2); c.1041G>C, p.Met347Ile (NM_001363604.2); short protein forms M348I, M365I, M374I, M347I.
Identifiers: ClinVar variation 4001059 (VCV004001059.1).